The following is an entry in ClinVar:

ClinVar aggregate classification (germline): Uncertain significance (1 of 4 stars; one submission).

Conditions:
Inborn genetic diseases. Identifiers: MedGen C0950123, MeSH D030342.

gnomAD v4.1: 2 of 1,550,260 alleles (0.00013%); highest among the groups gnomAD compares: Non-Finnish European, 0.00017%; no homozygotes.

Submission:

Ambry Genetics
Classification: Uncertain significance for Inborn genetic diseases. Last evaluated: 2026-03-03. Review status: criteria provided, single submitter. Criteria: Ambry Variant Classification Scheme 2023. Collection method: clinical testing. Allele origin: germline.
Comment: The p.G420S variant (also known as c.1258G>A), located in coding exon 8 of the RUNX1 gene, results from a G to A substitution at nucleotide position 1258. The glycine at codon 420 is replaced by serine, an amino acid with similar properties. This amino acid position is conserved. In addition, this alteration is predicted to be tolerated by in silico analysis. Based on the available evidence, the clinical significance of this variant remains unclear.

NM_001754.5(RUNX1):c.1258G>A (p.Gly420Ser)

Gene: RUNX1 (RUNX family transcription factor 1; minus strand). Cytogenetic location: 21q22.12.
Variant type: single nucleotide variant.
Coding change: c.1258G>A on transcript NM_001754.5 (MANE Select); coding-DNA position 1258, G replaced by A.
Protein change: p.Gly420Ser; replaces glycine 420 with serine.
Molecular consequence: missense variant.
Genome position (GRCh38, 1-based): chr21:34,792,320, C>T on the plus strand (G>A on the coding strand, the complement: RUNX1 is on the minus strand). VCF-style: chr21-34792320-C-T. GRCh37 (hg19) VCF-style: chr21-36164617-C-T.
Other names: c.1177G>A, p.Gly393Ser (NM_001001890.3); short protein forms G393S, G420S.
Identifiers: ClinVar variation 4827459 (VCV004827459.1).